The following is an entry in ClinVar:

NM_012064.4(MIP):c.98G>A (p.Arg33His)

Gene: MIP (major intrinsic protein of lens fiber; minus strand). Cytogenetic location: 12q13.3.
Variant type: single nucleotide variant.
Coding change: c.98G>A on transcript NM_012064.4 (MANE Select); coding-DNA position 98, G replaced by A.
Protein change: p.Arg33His; replaces arginine 33 with histidine.
Molecular consequence: missense variant.
Genome position (GRCh38, 1-based): chr12:56,454,516, C>T on the plus strand (G>A on the coding strand, the complement: MIP is on the minus strand). VCF-style: chr12-56454516-C-T. GRCh37 (hg19) VCF-style: chr12-56848300-C-T.
Other names: short protein forms R33H.
Identifiers: ClinVar variation 309887 (VCV000309887.5), dbSNP rs139963297, ClinGen allele CA6632659.

ClinVar aggregate classification (germline): Likely benign (1 of 4 stars; one submission).

Conditions:
Cataract 15 multiple types. Also called: CATARACT 15, LAMELLAR WITH SUTURAL OPACITIES. Identifiers: Orphanet 91492, MedGen C3809001, MONDO:0014110, OMIM 615274.

Allele frequency attached by ClinVar (database versions not stated): TOPMed 0.00003.
gnomAD v4.1: 56 of 1,612,860 alleles (0.0035%); highest among the groups gnomAD compares: East Asian, 0.029%; no homozygotes.

Submission:

Illumina Laboratory Services, Illumina
Classification: Likely benign for Cataract 15 multiple types. Last evaluated: 2018-01-12. Review status: criteria provided, single submitter. Criteria: ICSL Variant Classification Criteria 13 December 2019. Collection method: clinical testing. Allele origin: germline.
Comment: This variant was observed in the ICSL laboratory as part of a predisposition screen in an ostensibly healthy population. It had not been previously curated by ICSL or reported in the Human Gene Mutation Database (HGMD: prior to June 1st, 2018), and was therefore a candidate for classification through an automated scoring system. Utilizing variant allele frequency, disease prevalence and penetrance estimates, and inheritance mode, an automated score was calculated to assess if this variant is too frequent to cause the disease. Based on the score and internal cut-off values, a variant classified as likely benign is not then subjected to further curation. The score for this variant resulted in a classification of likely benign for this disease.